The following is an entry in ClinVar:

NM_007294.4(BRCA1):c.4079del (p.Ser1360fs)

Genes: BRCA1 (BRCA1 DNA repair associated; minus strand), LOC126862571 (BRD4-independent group 4 enhancer GRCh37_chr17:41243136-41244335; plus strand). Cytogenetic location: 17q21.31.
Variant type: Deletion.
Coding change: c.4079del on transcript NM_007294.4 (MANE Select); coding-DNA position 4079, one base deleted (G; older notation c.4079delG).
Protein change: p.Ser1360fs; shifts the reading frame from serine 1360.
Molecular consequence: frameshift variant. On other transcripts: intron variant (135).
Genome position (GRCh38, 1-based): chr17:43,091,452, C deleted on the plus strand (G on the coding strand, the reverse complement: BRCA1 is on the minus strand). VCF-style (leftmost placement, unchanged base first): chr17-43091451-GC-G. GRCh37 (hg19) VCF-style: chr17-41243468-GC-G.
Other names: 4198delG; c.3869del, p.Ser1290fs (NM_001407909.1, NM_001407910.1, NM_001407879.1 and 13 more transcripts); c.3866del, p.Ser1289fs (NM_001407915.1, NM_001407916.1, NM_001407917.1 and 9 more transcripts); c.3956del, p.Ser1319fs (NM_001407919.1, NM_001407937.1, NM_001407938.1 and 19 more transcripts); c.3815del, p.Ser1272fs (NM_001407920.1, NM_001407921.1, NM_001407922.1 and 9 more transcripts); c.3812del, p.Ser1271fs (NM_001407930.1, NM_001407931.1, NM_001407932.1 and 2 more transcripts); c.3953del, p.Ser1318fs (NM_001407940.1, NM_001407941.1, NM_001407649.1 and 11 more transcripts); c.3938del, p.Ser1313fs (NM_001407942.1, NM_001407944.1, NM_001407945.1 and 29 more transcripts); and 43 more; short protein forms S1360fs, S1313fs, S1064fs, S1192fs, S1289fs, S1312fs, S1319fs, S1334fs.
Identifiers: ClinVar variation 266441 (VCV000266441.6), dbSNP rs886040199, ClinGen allele CA10589693.

ClinVar aggregate classification (germline): Pathogenic. Review status: reviewed by expert panel (3 of 4 stars). 2 submissions from 2 submitters: Pathogenic (1). 1 of the submissions does not count toward it. Last evaluated 2016-10-18.

Conditions:
Breast-ovarian cancer, familial, susceptibility to, 1 (BROVCA1). Also called: BRCA1 Hereditary Breast and Ovarian Cancer; OVARIAN CANCER, SUSCEPTIBILITY TO. Identifiers: Orphanet 145, MedGen C2676676, MONDO:0011450, OMIM 604370. Disease mechanism: loss of function.

Submissions (2):

Evidence-based Network for the Interpretation of Germline Mutant Alleles (ENIGMA)
Classification: Pathogenic for Breast-ovarian cancer, familial, susceptibility to, 1. Last evaluated: 2016-10-18. Review status: reviewed by expert panel. Criteria: ENIGMA BRCA1/2 Classification Criteria (2015). Collection method: curation. Allele origin: germline.
Comment: Variant allele predicted to encode a truncated non-functional protein.

Consortium of Investigators of Modifiers of BRCA1/2 (CIMBA), c/o University of Cambridge
Classification: Pathogenic for Breast-ovarian cancer, familial, susceptibility to, 1. Last evaluated: 2015-10-02. Review status: criteria provided, single submitter. Criteria: CIMBA Mutation Classification guidelines May 2016. Collection method: clinical testing. Allele origin: germline. Not counted in ClinVar's aggregate classification.